The following is an entry in ClinVar:

NM_000245.4(MET):c.495G>T (p.Gln165His)

Gene: MET (MET proto-oncogene, receptor tyrosine kinase; plus strand). Cytogenetic location: 7q31.2.
Variant type: single nucleotide variant.
Coding change: c.495G>T on transcript NM_000245.4 (MANE Select); coding-DNA position 495, G replaced by T.
Protein change: p.Gln165His; replaces glutamine 165 with histidine.
Molecular consequence: missense variant. On other transcripts: intron variant (1).
Genome position (GRCh38, 1-based): chr7:116,699,579, G>T. VCF-style: chr7-116699579-G-T. GRCh37 (hg19) VCF-style: chr7-116339633-G-T.
Other names: c.495G>T, p.Gln165His (NM_001127500.3, NM_001324401.3); c.-91+27002G>T (NM_001324402.2); short protein forms Q165H.
Identifiers: ClinVar variation 3648612 (VCV003648612.3).

ClinVar aggregate classification (germline): Uncertain significance. Review status: criteria provided, multiple submitters, no conflicts (2 of 4 stars). 2 submissions from 2 submitters: Uncertain significance (2). Last evaluated 2024-12-29.

Conditions:
Renal cell carcinoma. Identifiers: Orphanet 217071, MedGen C0007134, MeSH D002292, MONDO:0005086, HP:0005584.
Hereditary cancer-predisposing syndrome. Also called: Neoplastic Syndromes, Hereditary; Tumor predisposition; Hereditary neoplastic syndrome; Hereditary Cancer Syndrome. Identifiers: Orphanet 140162, MedGen C0027672, MeSH D009386, MONDO:0015356.

Submissions (2):

Ambry Genetics
Classification: Uncertain significance for Hereditary cancer-predisposing syndrome. Last evaluated: 2024-12-29. Review status: criteria provided, single submitter. Criteria: Ambry Variant Classification Scheme 2023. Collection method: clinical testing. Allele origin: germline.
Comment: The p.Q165H variant (also known as c.495G>T), located in coding exon 1 of the MET gene, results from a G to T substitution at nucleotide position 495. The glutamine at codon 165 is replaced by histidine, an amino acid with highly similar properties. This amino acid position is conserved. In addition, this alteration is predicted to be tolerated by in silico analysis. Based on the available evidence, the clinical significance of this variant remains unclear.

Labcorp Genetics (formerly Invitae), Labcorp
Classification: Uncertain significance for Renal cell carcinoma. Last evaluated: 2024-04-03. Review status: criteria provided, single submitter. Criteria: Invitae Variant Classification Sherloc (09022015). Collection method: clinical testing. Allele origin: germline.
Comment: This sequence change replaces glutamine, which is neutral and polar, with histidine, which is basic and polar, at codon 165 of the MET protein (p.Gln165His). This variant is not present in population databases (gnomAD no frequency). This variant has not been reported in the literature in individuals affected with MET-related conditions. Advanced modeling of protein sequence and biophysical properties (such as structural, functional, and spatial information, amino acid conservation, physicochemical variation, residue mobility, and thermodynamic stability) performed at Invitae indicates that this missense variant is not expected to disrupt MET protein function with a negative predictive value of 80%. In summary, the available evidence is currently insufficient to determine the role of this variant in disease. Therefore, it has been classified as a Variant of Uncertain Significance.